The following is an entry in ClinVar:

NM_000404.4(GLB1):c.545C>G (p.Thr182Arg)

Gene: GLB1 (galactosidase beta 1; minus strand). Cytogenetic location: 3p22.3.
Variant type: single nucleotide variant.
Coding change: c.545C>G on transcript NM_000404.4 (MANE Select); coding-DNA position 545, C replaced by G.
Protein change: p.Thr182Arg; replaces threonine 182 with arginine.
Molecular consequence: missense variant.
Genome position (GRCh38, 1-based): chr3:33,065,470, G>C on the plus strand (C>G on the coding strand, the complement: GLB1 is on the minus strand). VCF-style: chr3-33065470-G-C. GRCh37 (hg19) VCF-style: chr3-33106962-G-C.
Other names: c.455C>G, p.Thr152Arg (NM_001079811.3); c.333C>G, p.Asn111Lys (NM_001135602.3); c.689C>G, p.Thr230Arg (NM_001317040.2); c.545C>G, p.Thr182Arg (NM_001393580.1); short protein forms N111K, T152R, T182R, T230R.
Identifiers: ClinVar variation 689485 (VCV000689485.3), dbSNP rs758577863, ClinGen allele CA351991758.

ClinVar aggregate classification (germline): Uncertain significance (1 of 4 stars; one submission).

Conditions:
Infantile GM1 gangliosidosis. Also called: GM1-gangliosidosis, type I; Gangliosidosis, generalized GM1, infantile form; GLB1 deficiency; GM1 gangliosidosis type 1; Gangliosidosis, Generalized GM1, Type 1. Identifiers: Orphanet 354, Orphanet 79255, MedGen C0268271, MONDO:0009260, OMIM 230500.

Submission:

Foundation for Research in Genetics and Endocrinology, FRIGE's Institute of Human Genetics
Classification: Uncertain significance for Infantile GM1 gangliosidosis. Last evaluated: 2019-06-21. Review status: criteria provided, single submitter. Criteria: ACMG Guidelines, 2015. Collection method: clinical testing. Allele origin: inherited. Inheritance: Autosomal recessive inheritance. Affected: yes. Observed: 1 homozygote.
Comment: Heterozygous variant c.545C>G (p.Thr182Arg ) in exon-5 has been observed in GLB1 gene. This variant has not been reported previously in the literature, in 1000 Genomes or ExAC databases and is predicted damaging by SIFT, Polyphen2 and FATHMM. Hence it is classified as variant of unknown significance according to ACMG guidelines.